The following is an entry in ClinVar:

NC_000011.10:g.6151823dup

Variant type: Duplication.
Genome position: GRCh38 VCF-style: chr11-6151821-C-CA. GRCh37 (hg19) VCF-style: chr11-6173051-C-CA.
Identifiers: ClinVar variation 2641546 (VCV002641546.23), dbSNP rs569025667, ClinGen allele CA5849541.

ClinVar aggregate classification (germline): Likely benign (1 of 4 stars; one submission).

Submission:

CeGaT Center for Human Genetics Tuebingen
Classification: Likely benign. Last evaluated: 2023-03-01. Review status: criteria provided, single submitter. Criteria: CeGaT Center For Human Genetics Tuebingen Variant Classification Criteria Version 2. Collection method: clinical testing. Allele origin: germline. Affected: yes. Observed: 2 variant alleles.
Comment: OR52B1P: BS2